The following is an entry in ClinVar:

Conditions:
Long QT syndrome 5 (LQT5). Identifiers: Orphanet 101016, Orphanet 768, MedGen C1867904, MONDO:0013372, OMIM 613695.

Submission:

Roden Lab, Vanderbilt University Medical Center
No classification provided (evidence only). Condition: Long QT syndrome 5. Review status: no classification provided. Collection method: in vitro. Allele origin: not applicable. Functional consequence: Effect on ion channel function.
ClinVar note: "not provided" was previously submitted as the classification for the variant. However, the classification appeared to be based only on an observation of functional data so it was converted to no classification on 2025-07-30.

NM_000219.6(KCNE1):c.327T>C (p.Val109=)

Gene: KCNE1 (potassium voltage-gated channel subfamily E regulatory subunit 1; minus strand). Cytogenetic location: 21q22.12.
Variant type: single nucleotide variant.
Coding change: c.327T>C on transcript NM_000219.6 (MANE Select); coding-DNA position 327, T replaced by C.
Protein change: p.Val109=; no amino-acid change (valine 109 retained).
Molecular consequence: synonymous variant.
Genome position (GRCh38, 1-based): chr21:34,449,308, A>G on the plus strand (T>C on the coding strand, the complement: KCNE1 is on the minus strand). VCF-style: chr21-34449308-A-G. GRCh37 (hg19) VCF-style: chr21-35821606-A-G.
Other names: c.327T>C, p.Val109= (NM_001127668.4, NM_001127669.4, NM_001127670.4 and 4 more transcripts).
Identifiers: ClinVar variation 3374649 (VCV003374649.2).